The following is an entry in ClinVar:

NM_000071.3(CBS):c.*28G>A

Gene: CBS (cystathionine beta-synthase; minus strand). Cytogenetic location: 21q22.3.
Variant type: single nucleotide variant.
Coding change: c.*28G>A on transcript NM_000071.3 (MANE Select); 28 bases downstream of the stop codon, G replaced by A.
Molecular consequence: 3 prime UTR variant. On other transcripts: intron variant (1).
Genome position (GRCh38, 1-based): chr21:43,053,852, C>T on the plus strand (G>A on the coding strand, the complement: CBS is on the minus strand). VCF-style: chr21-43053852-C-T. GRCh37 (hg19) VCF-style: chr21-44473962-C-T.
Other names: c.*28G>A (NM_001178008.3, NM_001320298.2, NM_001321072.1); c.*18+10G>A (NM_001178009.3).
Identifiers: ClinVar variation 392677 (VCV000392677.1), dbSNP rs367597108, ClinGen allele CA16608072.

ClinVar aggregate classification (germline): Uncertain significance (1 of 4 stars; one submission).

Allele frequency attached by ClinVar (database versions not stated): ExAC 0.00005; gnomAD 0.00003; gnomAD exomes 0.00004; ESP Exome Variant Server 0.00008.

Submission:

GeneDx
Classification: Uncertain significance. Last evaluated: 2017-01-12. Review status: criteria provided, single submitter. Criteria: GeneDx Variant Classification (06012015). Collection method: clinical testing. Allele origin: germline. Affected: yes.
Comment: A variant of uncertain significance has been identified in the CBS gene. The c.*18+10 G>A variant has not been published as a pathogenic variant or been reported as a benign variant to our knowledge. This variant has not been observed at a significant frequency in large population cohorts (Lek et al., 2016; McVean et al., 2012; Exome Variant Server; Exome Aggregation Consortium). The c.*18+10 G>A variant occurs in the +10 position of a splice donor site for intron 17 in the alternate transcript noted above. This position is located downstream of the natural termination codon in all transcripts and is in the 3'UTR of the default transcript (NM_000071.2). In this alternate transcript, the sequence of intron 17 is predicted to be spliced out of the 3'UTR, whereas all other transcripts retain that sequence. This nucleotide substitution occurs at a position that is not conserved across species, and adenine (A) is wild type in several species. Several in silico splice prediction programs do not recognize this splice donor site in the alternate transcript and, in the absence of functional mRNA studies, the physiological consequences of this variant cannot be precisely determined. In addition, if normal splicing is disrupted, the biological and clinical consequence of aberrant splicing in this alternate transcript of CBS is unknown, as no other variants exclusive to this transcript have been reported to our knowledge.